The following is an entry in ClinVar:

NM_000260.4(MYO7A):c.1186del (p.Asp396fs)

Gene: MYO7A (myosin VIIA; plus strand). Cytogenetic location: 11q13.5.
Variant type: Deletion.
Coding change: c.1186del on transcript NM_000260.4 (MANE Select); coding-DNA position 1186, one base deleted (G; older notation c.1186delG).
Protein change: p.Asp396fs; shifts the reading frame from aspartic acid 396.
Molecular consequence: frameshift variant.
Genome position (GRCh38, 1-based): chr11:77,160,268, G deleted. VCF-style (leftmost placement, unchanged base first): chr11-77160267-CG-C. GRCh37 (hg19) VCF-style: chr11-76871313-CG-C.
Other names: c.1186del, p.Asp396fs (NM_001127180.2); c.1153del, p.Asp385fs (NM_001369365.1); short protein forms D385fs, D396fs.
Identifiers: ClinVar variation 5014084 (VCV005014084.1).

ClinVar aggregate classification (germline): Pathogenic (1 of 4 stars; one submission).

Conditions:
Usher syndrome type 1 (USH1). Also called: RETINITIS PIGMENTOSA AND CONGENITAL DEAFNESS. Identifiers: Orphanet 231169, Orphanet 886, MedGen C1568247, MONDO:0010168, OMIM 276900.

Submission:

Myriad Genetics, Inc.
Classification: Pathogenic for Usher syndrome type 1. Last evaluated: 2025-02-10. Review status: criteria provided, single submitter. Criteria: Myriad Autosomal Dominant, Autosomal Recessive and X-Linked Classification Criteria (2023). Collection method: clinical testing. Allele origin: unknown.
Comment: NM_000260.3(MYO7A):c.1186delG(D396Tfs*4) is expected to be pathogenic in the context of MYO7A-related disorders. This variant is predicted to lead to an abnormal or absent protein product due to the creation of a premature termination codon in MYO7A, a gene where loss-of-function variants are known to be pathogenic. Please note: this variant was assessed in the context of healthy population screening.